The following is an entry in ClinVar:

ClinVar aggregate classification (germline): Uncertain significance. Review status: criteria provided, multiple submitters, no conflicts (2 of 4 stars). 2 submissions from 2 submitters: Uncertain significance (2). Last evaluated 2024-05-09.

Conditions:
Congenital myasthenic syndrome 17. Identifiers: Orphanet 590, MedGen C4225377, MONDO:0014578, OMIM 616304.
Cenani-Lenz syndactyly syndrome. Also called: SYNDACTYLY, TYPE VII; CENANI SYNDACTYLISM. Identifiers: Orphanet 3258, MedGen C1859309, MONDO:0008931, OMIM 212780.
Sclerosteosis 2 (SOST2). Identifiers: Orphanet 3152, MedGen C3280402, MONDO:0013679, OMIM 614305.

Allele frequency attached by ClinVar (database versions not stated): gnomAD exomes 0.00001 and 0.00002; TOPMed 0.00002; gnomAD 0.00003.
gnomAD v4.1: 27 of 1,614,044 alleles (0.0017%); highest among the groups gnomAD compares: Middle Eastern, 0.016%; no homozygotes.

Submissions (2):

Fulgent Genetics
Classification: Uncertain significance for Cenani-Lenz syndactyly syndrome; Sclerosteosis 2; Congenital myasthenic syndrome 17. Last evaluated: 2024-05-09. Review status: criteria provided, single submitter. Criteria: ACMG Guidelines, 2015. Collection method: clinical testing. Allele origin: germline.

Labcorp Genetics (formerly Invitae), Labcorp
Classification: Uncertain significance for Cenani-Lenz syndactyly syndrome; Sclerosteosis 2; Congenital myasthenic syndrome 17. Last evaluated: 2022-06-09. Review status: criteria provided, single submitter. Criteria: Invitae Variant Classification Sherloc (09022015). Collection method: clinical testing. Allele origin: germline.
Comment: This sequence change replaces arginine, which is basic and polar, with histidine, which is basic and polar, at codon 478 of the LRP4 protein (p.Arg478His). This variant is present in population databases (no rsID available, gnomAD 0.003%). This variant has not been reported in the literature in individuals affected with LRP4-related conditions. ClinVar contains an entry for this variant (Variation ID: 835866). Algorithms developed to predict the effect of missense changes on protein structure and function (SIFT, PolyPhen-2, Align-GVGD) all suggest that this variant is likely to be tolerated. In summary, the available evidence is currently insufficient to determine the role of this variant in disease. Therefore, it has been classified as a Variant of Uncertain Significance.

NM_002334.4(LRP4):c.1433G>A (p.Arg478His)

Gene: LRP4 (LDL receptor related protein 4; minus strand). Cytogenetic location: 11p11.2.
Variant type: single nucleotide variant.
Coding change: c.1433G>A on transcript NM_002334.4 (MANE Select); coding-DNA position 1433, G replaced by A.
Protein change: p.Arg478His; replaces arginine 478 with histidine.
Molecular consequence: missense variant.
Genome position (GRCh38, 1-based): chr11:46,894,696, C>T on the plus strand (G>A on the coding strand, the complement: LRP4 is on the minus strand). VCF-style: chr11-46894696-C-T. GRCh37 (hg19) VCF-style: chr11-46916247-C-T.
Other names: short protein forms R478H.
Identifiers: ClinVar variation 835866 (VCV000835866.6), dbSNP rs1349507715, ClinGen allele CA380285548.
Genomic context (GRCh38, chr11:46,894,696, plus strand): 5'-TTGAGGTTGGCACGGAGGATCCGGTCCAGGGTGACATCTGACCAGAAGACAAGCTCGCGG[C>T]GGTGGTGGAAATCAAGGGCAATGGCATTCTCCAGGTTGTTAAGCAGCAGTGTGTACTCAG-3'
Protein context (NP_002325.2, residues 468-488): ENAIALDFHH[Arg478His]RELVFWSDVT